The following is an entry in ClinVar:

ClinVar aggregate classification (germline): Uncertain significance. Review status: criteria provided, multiple submitters, no conflicts (2 of 4 stars). 2 submissions from 2 submitters: Uncertain significance (2). Last evaluated 2025-04-25.

Conditions:
Epilepsy, idiopathic generalized, susceptibility to, 11 (EIG11). Identifiers: Orphanet 307, MedGen C2750893, MONDO:0011875, OMIM 607628.
Leukoencephalopathy with mild cerebellar ataxia and white matter edema (LKPAT). Also called: Leukoencephalopathy with ataxia; Leukoencephalopathy with white matter edema; Brain white matter edema; CLCN2-Related Leukoencephalopathy. Identifiers: Orphanet 363540, MedGen C4554120, MONDO:0014292, OMIM 615651. Disease mechanism: loss of function.
Familial hyperaldosteronism type II. Also called: FH II. Identifiers: Orphanet 404, MedGen C1854107, MONDO:0011576, OMIM 605635.

gnomAD v4.1: 47 of 1,613,378 alleles (0.0029%); highest among the groups gnomAD compares: African/African-American, 0.013%; no homozygotes.

Submissions (2):

Labcorp Genetics (formerly Invitae), Labcorp
Classification: Uncertain significance. Last evaluated: 2025-04-25. Review status: criteria provided, single submitter. Criteria: Invitae Variant Classification Sherloc (09022015). Collection method: clinical testing. Allele origin: germline.
Comment: This sequence change replaces arginine, which is basic and polar, with glutamine, which is neutral and polar, at codon 71 of the CLCN2 protein (p.Arg71Gln). This variant is present in population databases (rs768738193, gnomAD 0.01%). This variant has not been reported in the literature in individuals affected with CLCN2-related conditions. ClinVar contains an entry for this variant (Variation ID: 3589055). Invitae Evidence Modeling of protein sequence and biophysical properties (such as structural, functional, and spatial information, amino acid conservation, physicochemical variation, residue mobility, and thermodynamic stability) indicates that this missense variant is not expected to disrupt CLCN2 protein function with a negative predictive value of 80%. In summary, the available evidence is currently insufficient to determine the role of this variant in disease. Therefore, it has been classified as a Variant of Uncertain Significance.

Fulgent Genetics
Classification: Uncertain significance for Familial hyperaldosteronism type II; Epilepsy, idiopathic generalized, susceptibility to, 11; Leukoencephalopathy with mild cerebellar ataxia and white matter edema. Last evaluated: 2024-05-01. Review status: criteria provided, single submitter. Criteria: ACMG Guidelines, 2015. Collection method: clinical testing. Allele origin: germline.

NM_004366.6(CLCN2):c.212G>A (p.Arg71Gln)

Gene: CLCN2 (chloride voltage-gated channel 2; minus strand). Cytogenetic location: 3q27.1.
Variant type: single nucleotide variant.
Coding change: c.212G>A on transcript NM_004366.6 (MANE Select); coding-DNA position 212, G replaced by A.
Protein change: p.Arg71Gln; replaces arginine 71 with glutamine.
Molecular consequence: missense variant.
Genome position (GRCh38, 1-based): chr3:184,358,983, C>T on the plus strand (G>A on the coding strand, the complement: CLCN2 is on the minus strand). VCF-style: chr3-184358983-C-T. GRCh37 (hg19) VCF-style: chr3-184076771-C-T.
Other names: c.212G>A, p.Arg71Gln (NM_001171087.3, NM_001171088.3, NM_001171089.3); short protein forms R71Q.
Identifiers: ClinVar variation 3589055 (VCV003589055.2).